The following is an entry in ClinVar:

ClinVar aggregate classification (germline): Uncertain significance. Review status: criteria provided, multiple submitters, no conflicts (2 of 4 stars). 2 submissions from 2 submitters: Uncertain significance (2). Last evaluated 2022-07-21.

Conditions:
Nemaline myopathy 2 (NEM2). Also called: Nemaline myopathy 2, autosomal recessive. Identifiers: MedGen C1850569, MONDO:0009725, OMIM 256030.

Allele frequency attached by ClinVar (database versions not stated): ExAC 0.00001; gnomAD 0.00001; ESP Exome Variant Server 0.00008.
gnomAD v4.1: 1 of 1,609,996 alleles (0.000062%); highest among the groups gnomAD compares: Non-Finnish European, 0.000085%; no homozygotes.

Submissions (2):

Labcorp Genetics (formerly Invitae), Labcorp
Classification: Uncertain significance for Nemaline myopathy 2. Last evaluated: 2022-07-21. Review status: criteria provided, single submitter. Criteria: Invitae Variant Classification Sherloc (09022015). Collection method: clinical testing. Allele origin: germline.
Comment: This sequence change replaces glutamic acid, which is acidic and polar, with glycine, which is neutral and non-polar, at codon 2796 of the NEB protein (p.Glu2796Gly). This variant is present in population databases (rs368800654, gnomAD 0.0009%). This variant has not been reported in the literature in individuals affected with NEB-related conditions. Algorithms developed to predict the effect of missense changes on protein structure and function are either unavailable or do not agree on the potential impact of this missense change (SIFT: "Deleterious"; PolyPhen-2: "Not Available"; Align-GVGD: "Class C0"). In summary, the available evidence is currently insufficient to determine the role of this variant in disease. Therefore, it has been classified as a Variant of Uncertain Significance.

Revvity Omics, Revvity
Classification: Uncertain significance. Last evaluated: 2020-12-08. Review status: criteria provided, single submitter. Criteria: ACMG Guidelines, 2015. Collection method: clinical testing. Allele origin: germline.

NM_001164508.2(NEB):c.8387A>G (p.Glu2796Gly)

Gene: NEB (nebulin; minus strand). Cytogenetic location: 2q23.3.
Variant type: single nucleotide variant.
Coding change: c.8387A>G on transcript NM_001164508.2 (MANE Select); coding-DNA position 8387, A replaced by G.
Protein change: p.Glu2796Gly; replaces glutamic acid 2796 with glycine.
Molecular consequence: missense variant.
Genome position (GRCh38, 1-based): chr2:151,640,653, T>C on the plus strand (A>G on the coding strand, the complement: NEB is on the minus strand). VCF-style: chr2-151640653-T-C. GRCh37 (hg19) VCF-style: chr2-152497167-T-C.
Other names: c.8387A>G, p.Glu2796Gly (NM_001164507.2, NM_001271208.2, NM_004543.5); short protein forms E2796G.
Identifiers: ClinVar variation 1969936 (VCV001969936.5), dbSNP rs368800654, ClinGen allele CA1909596.